The following is an entry in ClinVar:

NM_000321.3(RB1):c.1510C>T (p.Gln504Ter)

Gene: RB1 (RB transcriptional corepressor 1; plus strand). Cytogenetic location: 13q14.2.
Variant type: single nucleotide variant.
Coding change: c.1510C>T on transcript NM_000321.3 (MANE Select); coding-DNA position 1510, C replaced by T.
Protein change: p.Gln504Ter; replaces glutamine 504 with a stop codon.
Molecular consequence: nonsense.
Genome position (GRCh38, 1-based): chr13:48,381,258, C>T. VCF-style: chr13-48381258-C-T. GRCh37 (hg19) VCF-style: chr13-48955394-C-T.
Other names: short protein forms Q504*.
Identifiers: ClinVar variation 285896 (VCV000285896.14), dbSNP rs886043247, ClinGen allele CA10605288.
Genomic context (GRCh38, chr13:48,381,258, plus strand): 5'-CTCAAGGGTTAATATTTCATAAATAGTTACTTTTTTTTTTCATTTTTAGGAAGTACATCT[C>T]AGAATCTTGATTCTGGAACAGATTTGTCTTTCCCATGGATTCTGAATGTGCTTAATTTAA-3'

ClinVar aggregate classification (germline): Pathogenic. Review status: criteria provided, multiple submitters, no conflicts (2 of 4 stars). 3 submissions from 3 submitters: Pathogenic (3). Last evaluated 2024-05-20.
ClinVar aggregate classification (oncogenicity): Likely oncogenic (1 of 4 stars; one submission).

Conditions:
Retinoblastoma (RB1). Also called: RETINOBLASTOMA, SOMATIC. Identifiers: Orphanet 790, MedGen C0035335, MeSH D012175, MONDO:0008380, OMIM 180200, HP:0009919. Disease mechanism: loss of function. Inheritance: Both sporadic and heritable forms are tested..
Neoplasm. Also called: Neoplasms; Neoplasm (disease); tumor. Identifiers: MedGen C0027651, MeSH D009369, MONDO:0005070, HP:0002664.

Submissions (4):

Center for Genomic Medicine, Rigshospitalet, Copenhagen University Hospital
Classification: Likely oncogenic for Neoplasm. Last evaluated: 2025-12-29. Review status: criteria provided, single submitter. Criteria: ClinGen/CGC/VICC Guidelines for Oncogenicity, 2022. Collection method: clinical testing. Allele origin: somatic. Affected: yes.

Genetic Diagnostic Laboratory, University of Pennsylvania School of Medicine
Classification: Pathogenic for Retinoblastoma. Last evaluated: 2024-05-20. Review status: criteria provided, single submitter. Criteria: ACMG Guidelines, 2015. Collection method: clinical testing. Allele origin: germline. Affected: yes. Observed: 1 variant allele.
Comment: Case and Pedigree Information: BILATERAL CASES:1, UNILATERAL CASES:0, TOTAL CASES:1, PEDIGREES:1. ACMG Codes Applied:PVS1, PM2

Labcorp Genetics (formerly Invitae), Labcorp
Classification: Pathogenic for Retinoblastoma. Last evaluated: 2021-02-18. Review status: criteria provided, single submitter. Criteria: Invitae Variant Classification Sherloc (09022015). Collection method: clinical testing. Allele origin: germline.
Comment: This sequence change creates a premature translational stop signal (p.Gln504*) in the RB1 gene. It is expected to result in an absent or disrupted protein product. Loss-of-function variants in RB1 are known to be pathogenic (PMID: 17096365). This variant is not present in population databases (ExAC no frequency). This variant has been observed in individual(s) with retinoblastoma (PMID: 12173465, 12541220, 28575107). ClinVar contains an entry for this variant (Variation ID: 285896). For these reasons, this variant has been classified as Pathogenic.

Eurofins Ntd Llc (ga)
Classification: Pathogenic. Last evaluated: 2016-01-28. Review status: criteria provided, single submitter. Criteria: EGL Classification Definitions 2015. Collection method: clinical testing. Allele origin: germline. Observed: 1 variant allele, 1 heterozygote.

Literature cited by the submitters: PubMed 17096365 (cited by Labcorp Genetics (formerly Invitae), Labcorp); PubMed 12173465 (cited by Labcorp Genetics (formerly Invitae), Labcorp); PubMed 12541220 (cited by Labcorp Genetics (formerly Invitae), Labcorp and Eurofins Ntd Llc (ga)); PubMed 28575107 (cited by Labcorp Genetics (formerly Invitae), Labcorp).